The following is an entry in ClinVar:

ClinVar aggregate classification (germline): Conflicting classifications of pathogenicity. Review status: criteria provided, conflicting classifications (1 of 4 stars). 4 submissions from 4 submitters: Uncertain significance (1); Likely benign (2). 1 of the submissions does not count toward it. Last evaluated 2025-12-22.

Conditions:
PMM2-related disorder. Also called: PMM2-related condition.
PMM2-congenital disorder of glycosylation. Also called: CDG Ia; JAEKEN SYNDROME; PHOSPHOMANNOMUTASE 2 DEFICIENCY; Congenital disorder of glycosylation, type Ia; CARBOHYDRATE-DEFICIENT GLYCOPROTEIN SYNDROME, TYPE Ia; PMM2-CDG. Identifiers: Orphanet 79318, MedGen C0349653, MONDO:0008907, OMIM 212065.

Allele frequency attached by ClinVar (database versions not stated): gnomAD below 0.00001 and 0.00001; gnomAD exomes 0.00002 and 0.00008; ExAC 0.00007; 1000 Genomes Project 30x 0.00016; 1000 Genomes Project 0.00020.
gnomAD v4.1: 32 of 1,613,426 alleles (0.002%); highest among the groups gnomAD compares: South Asian, 0.033%; no homozygotes.

Submissions (4):

Labcorp Genetics (formerly Invitae), Labcorp
Classification: Likely benign for PMM2-congenital disorder of glycosylation. Last evaluated: 2025-12-22. Review status: criteria provided, single submitter. Criteria: Invitae Variant Classification Sherloc (09022015). Collection method: clinical testing. Allele origin: germline.

Women's Health and Genetics/Laboratory Corporation of America, LabCorp
Classification: Likely benign. Last evaluated: 2025-05-19. Review status: criteria provided, single submitter. Criteria: LabCorp Variant Classification Summary - May 2015. Collection method: clinical testing. Allele origin: germline.

Illumina Laboratory Services, Illumina
Classification: Uncertain significance for PMM2-congenital disorder of glycosylation. Last evaluated: 2018-01-13. Review status: criteria provided, single submitter. Criteria: ICSL Variant Classification Criteria 13 December 2019. Collection method: clinical testing. Allele origin: germline.

PreventionGenetics, part of Exact Sciences
Classification: Likely benign for PMM2-related condition. Last evaluated: 2021-09-15. Review status: no assertion criteria provided. Collection method: clinical testing. Allele origin: germline. Not counted in ClinVar's aggregate classification.
Comment: This variant is classified as likely benign based on ACMG/AMP sequence variant interpretation guidelines (Richards et al. 2015 PMID: 25741868, with internal and published modifications).

NM_000303.3(PMM2):c.552T>C (p.Pro184=)

Gene: PMM2 (phosphomannomutase 2; plus strand). Cytogenetic location: 16p13.2.
Variant type: single nucleotide variant.
Coding change: c.552T>C on transcript NM_000303.3 (MANE Select); coding-DNA position 552, T replaced by C.
Protein change: p.Pro184=; no amino-acid change (proline 184 retained).
Molecular consequence: synonymous variant.
Genome position (GRCh38, 1-based): chr16:8,813,019, T>C. VCF-style: chr16-8813019-T-C. GRCh37 (hg19) VCF-style: chr16-8906876-T-C.
Identifiers: ClinVar variation 321218 (VCV000321218.17), dbSNP rs560182098, ClinGen allele CA7894132.